The following is an entry in ClinVar:

ClinVar aggregate classification (germline): Pathogenic/Likely pathogenic. Review status: criteria provided, multiple submitters, no conflicts (2 of 4 stars). 9 submissions from 9 submitters: Pathogenic (5); Likely pathogenic (3). 1 of the submissions does not count toward it. Last evaluated 2026-01-08.

Conditions:
21-Hydroxylase-Deficient Congenital Adrenal Hyperplasia. Also called: ADRENAL HYPERPLASIA III; ADRENAL HYPERPLASIA, CONGENITAL, DUE TO 21-HYDROXYLASE DEFICIENCY. Identifiers: MedGen C2936858, OMIM 201910.
CYP21A2-related disorder. Also called: CYP21A2-related condition.

Allele frequency attached by ClinVar (database versions not stated): gnomAD 0.00039; gnomAD exomes 0.00073.
gnomAD v4.1: 1,080 of 1,582,546 alleles (0.068%); highest among the groups gnomAD compares: Non-Finnish European, 0.089%; no homozygotes.

Submissions (9):

PreventionGenetics, part of Exact Sciences
Classification: Pathogenic for CYP21A2-related condition. Last evaluated: 2026-01-08. Review status: criteria provided, single submitter. Criteria: ACMG Guidelines, 2015. Collection method: clinical testing. Allele origin: germline.
Comment: The CYP21A2 c.1451G>C variant is predicted to result in the amino acid substitution p.Arg484Pro. Also known as R483P in the literature using legacy nomenclature, this variant has been reported in the compound heterozygous state with other pathogenic variants of variable severity in individuals with different forms of congenital adrenal hyperplasia (CAH) (see for example, Wedell et al. 1993. PubMed ID: 8478006; Xia et al. 2022. PubMed ID: 35882282; Wan et al. 2022. PubMed ID: 36167262). Of note, this variant has been particularly reported in the compound heterozygous state with a salt-wasting (SW) CAH-associated variant or the homozygous state mostly in individuals with SW CAH, suggesting that this variant is predominantly associated with SW CAH (see for example, Table 4 of Xia et al. 2022. PubMed ID: 35882282). This variant is reported in 0.068% of alleles in individuals of European (non-Finnish) descent in gnomAD. This variant falls within a highly paralogous region. Allele frequency data should be interpreted with caution. This variant is interpreted as pathogenic.

Quest Diagnostics Nichols Institute San Juan Capistrano
Classification: Pathogenic. Last evaluated: 2024-06-25. Review status: criteria provided, single submitter. Criteria: Quest Diagnostics criteria. Collection method: clinical testing. Allele origin: unknown.
Comment: The CYP21A2 c.1451G>C (p.Arg484Pro) pathogenic variant (also known as R483P) has been described to cause markedly decreased CYP21A2 activity and stability, and identified in individuals with CAH, mainly of the salt-wasting phenotype (PMID: 9497336 (1998), 15994751 (2005), 20926536 (2011), and 23359698 (2013), 32616876 (2020)). Based on the available information, this variant is classified as pathogenic.

Newborn Screening Ontario, Children's Hospital of Eastern Ontario (CHEO)
Classification: Pathogenic for 21-Hydroxylase-Deficient Congenital Adrenal Hyperplasia. Last evaluated: 2023-04-04. Review status: criteria provided, single submitter. Criteria: ACMG Guidelines, 2015. Collection method: clinical testing. Allele origin: germline. Inheritance: Autosomal recessive inheritance.

3billion
Classification: Likely pathogenic for 21-Hydroxylase-Deficient Congenital Adrenal Hyperplasia. Last evaluated: 2022-05-22. Review status: criteria provided, single submitter. Criteria: ACMG Guidelines, 2015. Collection method: clinical testing. Allele origin: germline. Affected: yes. Observed: 1 heterozygote.
Comment: The variant is observed at an extremely low frequency in the gnomAD v2.1.1 dataset (total allele frequency: 0.033%). However, frequency data for this variant in the general population cannot be distinguished from that of the CYP21P pseudogene, and are therefore uninformative in assessment of variant pathogenicity. In silico tool predictions suggest damaging effect of the variant on gene or gene product (REVEL: 0.66; 3Cnet: 0.29). Same nucleotide change resulting in same amino acid change has been previously reported as pathogenic/likely pathogenic with strong evidence (ClinVar ID: VCV001264335). A different missense change at the same codon (p.Arg484Gln, p.Arg484Trp) has been reported to be associated with CYP21A2 related disorder (ClinVar ID: VCV000585750 / PMID: 12915679, 14715874). Therefore, this variant is classified as likely pathogenic according to the recommendation of ACMG/AMP guideline.

Department of Pathology and Laboratory Medicine, Sinai Health System
Classification: Likely pathogenic for 21-Hydroxylase-Deficient Congenital Adrenal Hyperplasia. Last evaluated: 2022-05-06. Review status: criteria provided, single submitter. Criteria: ACMG Guidelines, 2015. Collection method: research. Allele origin: germline.

Institute for Clinical Genetics, University Hospital TU Dresden, University Hospital TU Dresden
Classification: Pathogenic. Last evaluated: 2021-11-03. Review status: criteria provided, single submitter. Criteria: ACMG Guidelines, 2015. Collection method: clinical testing. Allele origin: germline.

Juno Genomics, Hangzhou Juno Genomics, Inc
Classification: Pathogenic for 21-Hydroxylase-Deficient Congenital Adrenal Hyperplasia. Review status: criteria provided, single submitter. Criteria: ACMG Guidelines, 2015. Collection method: clinical testing. Allele origin: germline. Affected: yes.
Comment: Absent from controls (or at extremely low frequency if recessive) in Genome Aggregation Database, Exome Sequencing Project, 1000 Genomes Project, or Exome Aggregation Consortium.;Well-established in vitro or in vivo functional studies supportive of a damaging effect on the gene or gene product.;For recessive disorders, detected in trans with a pathogenic variant.;Patient's phenotype or family history is highly specific for a disease with a single genetic etiology.;Co-segregation with disease in multiple affected family members in a gene definitively known to cause the disease.

Molecular Endocrinology Laboratory, Christian Medical College
Classification: Likely pathogenic for 21-Hydroxylase-Deficient Congenital Adrenal Hyperplasia. Review status: criteria provided, single submitter. Criteria: ACMG Guidelines, 2015. Collection method: clinical testing. Allele origin: germline. Affected: yes.

Institute of Medical Genetics and Genomics, Sir Ganga Ram Hospital
Classification: Uncertain significance for 21-Hydroxylase-Deficient Congenital Adrenal Hyperplasia. Last evaluated: 2021-03-10. Review status: flagged submission. Criteria: ACMG Guidelines, 2015. Collection method: clinical testing. Allele origin: germline. Affected: yes. Observed: 2 variant alleles. Not counted in ClinVar's aggregate classification.
ClinVar note: Reason: Outlier claim with insufficient supporting evidence

Literature cited by the submitters: PubMed 35882282 (cited by Quest Diagnostics Nichols Institute San Juan Capistrano); PubMed 36167262 (cited by Quest Diagnostics Nichols Institute San Juan Capistrano); PubMed 31446012 (cited by Quest Diagnostics Nichols Institute San Juan Capistrano); PubMed 32616876 (cited by Quest Diagnostics Nichols Institute San Juan Capistrano and Molecular Endocrinology Laboratory, Christian Medical College); PubMed 15994751 (cited by Quest Diagnostics Nichols Institute San Juan Capistrano); PubMed 12915679 (cited by Quest Diagnostics Nichols Institute San Juan Capistrano and 3billion); PubMed 23337727 (cited by Quest Diagnostics Nichols Institute San Juan Capistrano); PubMed 24778650 (cited by Quest Diagnostics Nichols Institute San Juan Capistrano); PubMed 23359698 (cited by Quest Diagnostics Nichols Institute San Juan Capistrano and Institute of Medical Genetics and Genomics, Sir Ganga Ram Hospital); PubMed 8478006 (cited by Quest Diagnostics Nichols Institute San Juan Capistrano); PubMed 23359706 (cited by Quest Diagnostics Nichols Institute San Juan Capistrano); PubMed 20926536 (cited by Quest Diagnostics Nichols Institute San Juan Capistrano and Molecular Endocrinology Laboratory, Christian Medical College); PubMed 12966197 (cited by Quest Diagnostics Nichols Institute San Juan Capistrano); PubMed 25195868 (cited by Quest Diagnostics Nichols Institute San Juan Capistrano); PubMed 9497336 (cited by Quest Diagnostics Nichols Institute San Juan Capistrano); PubMed 11598371 (cited by Quest Diagnostics Nichols Institute San Juan Capistrano); PubMed 11600539 (cited by Quest Diagnostics Nichols Institute San Juan Capistrano); PubMed 12788866 (cited by Quest Diagnostics Nichols Institute San Juan Capistrano); PubMed 15110320 (cited by Quest Diagnostics Nichols Institute San Juan Capistrano); PubMed 17119906 (cited by Quest Diagnostics Nichols Institute San Juan Capistrano); PubMed 10931088 (cited by Quest Diagnostics Nichols Institute San Juan Capistrano); PubMed 14715874 (cited by 3billion); PubMed 33552137 (cited by Institute of Medical Genetics and Genomics, Sir Ganga Ram Hospital); PubMed 30611409 (cited by Institute of Medical Genetics and Genomics, Sir Ganga Ram Hospital); PubMed 29035424 (cited by Institute of Medical Genetics and Genomics, Sir Ganga Ram Hospital).

NM_000500.9(CYP21A2):c.1451G>C (p.Arg484Pro)

Genes: CYP21A2 (cytochrome P450 family 21 subfamily A member 2; plus strand), LOC106780800 (CYP21A2 recombination region; plus strand). Cytogenetic location: 6p21.33.
Variant type: single nucleotide variant.
Coding change: c.1451G>C on transcript NM_000500.9 (MANE Select); coding-DNA position 1451, G replaced by C.
Protein change: p.Arg484Pro; replaces arginine 484 with proline.
Molecular consequence: missense variant.
Genome position (GRCh38, 1-based): chr6:32,041,097, G>C. VCF-style: chr6-32041097-G-C. GRCh37 (hg19) VCF-style: chr6-32008874-G-C.
Other names: p.Arg484Pro; c.1361G>C, p.Arg454Pro (NM_001128590.4); c.1046G>C, p.Arg349Pro (NM_001368143.2, NM_001368144.2); short protein forms R349P, R454P, R484P.
Identifiers: ClinVar variation 1264335 (VCV001264335.14), dbSNP rs200005406, ClinGen allele CA3732734.